The following is an entry in ClinVar:

NM_001378477.3(NYX):c.162G>A (p.Glu54=)

Gene: NYX (nyctalopin; plus strand). Cytogenetic location: Xp11.4.
Variant type: single nucleotide variant.
Coding change: c.162G>A on transcript NM_001378477.3 (MANE Select); coding-DNA position 162, G replaced by A.
Protein change: p.Glu54=; no amino-acid change (glutamic acid 54 retained).
Molecular consequence: synonymous variant.
Genome position (GRCh38, 1-based): chrX:41,473,630, G>A. VCF-style: chrX-41473630-G-A. GRCh37 (hg19) VCF-style: chrX-41332883-G-A.
Other names: c.162G>A, p.Glu54= (NM_022567.3).
Identifiers: ClinVar variation 3032462 (VCV003032462.2), dbSNP rs1332880872, ClinGen allele CA516365724.

ClinVar aggregate classification (germline): Likely benign (0 of 4 stars; one submission).

Conditions:
NYX-related disorder. Also called: NYX-related condition.

Allele frequency attached by ClinVar (database versions not stated): gnomAD exomes 0.00001; TOPMed 0.00001.
gnomAD v4.1: 10 of 1,061,179 alleles (0.00094%); highest among the groups gnomAD compares: Middle Eastern, 0.026%; no homozygotes.

Submission:

PreventionGenetics, part of Exact Sciences
Classification: Likely benign for NYX-related condition. Last evaluated: 2021-01-22. Review status: no assertion criteria provided. Collection method: clinical testing. Allele origin: germline.
Comment: This variant is classified as likely benign based on ACMG/AMP sequence variant interpretation guidelines (Richards et al. 2015 PMID: 25741868, with internal and published modifications).